The following is an entry in ClinVar:

ClinVar aggregate classification (germline): Uncertain significance (1 of 4 stars; one submission).

Conditions:
Cohen syndrome (COH1). Also called: PEPPER SYNDROME; Cutis verticis gyrata, retinitis pigmentosa, and sensorineural deafness. Identifiers: Orphanet 193, MedGen C0265223, MONDO:0008999, OMIM 216550.

Submission:

Labcorp Genetics (formerly Invitae), Labcorp
Classification: Uncertain significance for Cohen syndrome. Last evaluated: 2024-02-22. Review status: criteria provided, single submitter. Criteria: Invitae Variant Classification Sherloc (09022015). Collection method: clinical testing. Allele origin: germline.
Comment: This sequence change replaces isoleucine, which is neutral and non-polar, with threonine, which is neutral and polar, at codon 616 of the VPS13B protein (p.Ile616Thr). This variant is not present in population databases (gnomAD no frequency). This variant has not been reported in the literature in individuals affected with VPS13B-related conditions. Advanced modeling of protein sequence and biophysical properties (such as structural, functional, and spatial information, amino acid conservation, physicochemical variation, residue mobility, and thermodynamic stability) performed at Invitae indicates that this missense variant is not expected to disrupt VPS13B protein function with a negative predictive value of 80%. In summary, the available evidence is currently insufficient to determine the role of this variant in disease. Therefore, it has been classified as a Variant of Uncertain Significance.

NM_152564.5(VPS13B):c.1847T>C (p.Ile616Thr)

Gene: VPS13B (vacuolar protein sorting 13 homolog B; plus strand). Cytogenetic location: 8q22.2.
Variant type: single nucleotide variant.
Coding change: c.1847T>C on transcript NM_152564.5 (MANE Select); coding-DNA position 1847, T replaced by C.
Protein change: p.Ile616Thr; replaces isoleucine 616 with threonine.
Molecular consequence: missense variant.
Genome position (GRCh38, 1-based): chr8:99,147,844, T>C. VCF-style: chr8-99147844-T-C. GRCh37 (hg19) VCF-style: chr8-100160072-T-C.
Other names: c.1847T>C, p.Ile616Thr (NM_015243.3, NM_017890.5); short protein forms I616T.
Identifiers: ClinVar variation 3642660 (VCV003642660.2).